The following is an entry in ClinVar:

ClinVar aggregate classification (germline): Conflicting classifications of pathogenicity. Review status: criteria provided, conflicting classifications (1 of 4 stars). 4 submissions from 4 submitters: Uncertain significance (2); Likely benign (1). 1 of the submissions does not count toward it. Last evaluated 2025-09-24.

Conditions:
PCNT-related disorder. Also called: PCNT-related condition.
Microcephalic osteodysplastic primordial dwarfism type II (MOPD2). Also called: Microcephalic osteodysplastic primordial dwarfism with tooth abnormalities; MOPD II; OSTEODYSPLASTIC PRIMORDIAL DWARFISM, TYPE II. Identifiers: Orphanet 2637, MedGen C0432246, MONDO:0008872, OMIM 210720.

Allele frequency attached by ClinVar (database versions not stated): gnomAD exomes 0.00007 and 0.00019; gnomAD 0.00010 and 0.00013; 1000 Genomes Project 30x 0.00016; TOPMed 0.00016; 1000 Genomes Project 0.00020; ExAC 0.00020.
gnomAD v4.1: 121 of 1,613,976 alleles (0.0075%); highest among the groups gnomAD compares: East Asian, 0.25%; no homozygotes.

Submissions (4):

Labcorp Genetics (formerly Invitae), Labcorp
Classification: Likely benign. Last evaluated: 2025-09-24. Review status: criteria provided, single submitter. Criteria: Invitae Variant Classification Sherloc (09022015). Collection method: clinical testing. Allele origin: germline.

Revvity Omics, Revvity
Classification: Uncertain significance for Microcephalic osteodysplastic primordial dwarfism type II. Last evaluated: 2020-12-09. Review status: criteria provided, single submitter. Criteria: ACMG Guidelines, 2015. Collection method: clinical testing. Allele origin: germline.

Illumina Laboratory Services, Illumina
Classification: Uncertain significance for Microcephalic osteodysplastic primordial dwarfism type II. Last evaluated: 2018-01-13. Review status: criteria provided, single submitter. Criteria: ICSL Variant Classification Criteria 13 December 2019. Collection method: clinical testing. Allele origin: germline.

PreventionGenetics, part of Exact Sciences
Classification: Likely benign for PCNT-related condition. Last evaluated: 2022-04-28. Review status: no assertion criteria provided. Collection method: clinical testing. Allele origin: germline. Not counted in ClinVar's aggregate classification.
Comment: This variant is classified as likely benign based on ACMG/AMP sequence variant interpretation guidelines (Richards et al. 2015 PMID: 25741868, with internal and published modifications).

NM_006031.6(PCNT):c.977C>T (p.Ala326Val)

Gene: PCNT (pericentrin; plus strand). Cytogenetic location: 21q22.3.
Variant type: single nucleotide variant.
Coding change: c.977C>T on transcript NM_006031.6 (MANE Select); coding-DNA position 977, C replaced by T.
Protein change: p.Ala326Val; replaces alanine 326 with valine.
Molecular consequence: missense variant.
Genome position (GRCh38, 1-based): chr21:46,347,457, C>T. VCF-style: chr21-46347457-C-T. GRCh37 (hg19) VCF-style: chr21-47767371-C-T.
Other names: c.623C>T, p.Ala208Val (NM_001315529.2); short protein forms A208V, A326V.
Identifiers: ClinVar variation 895340 (VCV000895340.15), dbSNP rs181165794, ClinGen allele CA10078470.
Genomic context (GRCh38, chr21:46,347,457, plus strand): 5'-GTTGGGTCACTGAAAAGGTTGAGATGGAGTGGCCTGAGCTGCTTTTTGTTTTTCTTGCAG[C>T]TGAGCTGAAGGAGAAGTTACAATCAGAAATGGAGAAAAACGCCCAGATAGTAAAGGTACC-3'
Protein context (NP_006022.3, residues 316-336): EVVLRCGQEA[Ala326Val]ELKEKLQSEM